The following is an entry in ClinVar:

ClinVar aggregate classification (germline): Likely pathogenic (1 of 4 stars; one submission).

Conditions:
Congenital myotonia, autosomal recessive form. Also called: myotonia congenita, autosomal recessive; Becker Generalized Myotonia; BECKER DISEASE. Identifiers: Orphanet 614, MedGen C0751360, MONDO:0009715, OMIM 255700.
Congenital myotonia, autosomal dominant form (THD). Also called: THOMSEN DISEASE; Myotonia congenita autosomal dominant. Identifiers: Orphanet 614, MedGen C2936781, MONDO:0008055, OMIM 160800.

gnomAD v4.1: 8 of 1,614,200 alleles (0.0005%); highest among the groups gnomAD compares: Non-Finnish European, 0.00068%; no homozygotes.

Submission:

Juno Genomics, Hangzhou Juno Genomics, Inc
Classification: Likely pathogenic for Congenital myotonia, autosomal dominant form; Congenital myotonia, autosomal recessive form. Review status: criteria provided, single submitter. Criteria: ACMG Guidelines, 2015. Collection method: clinical testing. Allele origin: germline.
Comment: Absent from controls (or at extremely low frequency if recessive) in Genome Aggregation Database.;Multiple lines of computational evidence support a deleterious effect on the gene or gene product.;For recessive disorders, detected in trans with a pathogenic variant.

NM_000083.3(CLCN1):c.914G>A (p.Gly305Glu)

Gene: CLCN1 (chloride voltage-gated channel 1; plus strand). Cytogenetic location: 7q34.
Variant type: single nucleotide variant.
Coding change: c.914G>A on transcript NM_000083.3 (MANE Select); coding-DNA position 914, G replaced by A.
Protein change: p.Gly305Glu; replaces glycine 305 with glutamic acid.
Molecular consequence: missense variant. On other transcripts: non-coding transcript variant (1).
Genome position (GRCh38, 1-based): chr7:143,330,832, G>A. VCF-style: chr7-143330832-G-A. GRCh37 (hg19) VCF-style: chr7-143027925-G-A.
Other names: short protein forms G305E.
Identifiers: ClinVar variation 5007169 (VCV005007169.2).
Genomic context (GRCh38, chr7:143,330,832, plus strand): 5'-GAGTGCTATTTAGCATCGAGGTCACCTCCACCTACTTTGCTGTTCGGAACTACTGGAGAG[G>A]ATTCTTTGCAGCCACGTTCAGCGCCTTTGTGTTTCGAGTGCTGGCAGTGTGGAACAAGGA-3'
Protein context (NP_000074.3, residues 295-315): TYFAVRNYWR[Gly305Glu]FFAATFSAFV